The following is an entry in ClinVar:

ClinVar aggregate classification (germline): Pathogenic. Review status: criteria provided, multiple submitters, no conflicts (2 of 4 stars). 2 submissions from 2 submitters: Pathogenic (2). Last evaluated 2020-02-27.

Conditions:
Rare genetic deafness. Identifiers: Orphanet 96210, MedGen C5680250.
Autosomal recessive nonsyndromic hearing loss 3. Also called: NEUROSENSORY NONSYNDROMIC RECESSIVE DEAFNESS 3. Identifiers: Orphanet 90636, MedGen C1838263, MONDO:0010860, OMIM 600316.

Allele frequency attached by ClinVar (database versions not stated): gnomAD exomes below 0.00001.

Submissions (2):

Molecular Diagnosis Center for Deafness
Classification: Pathogenic for Autosomal recessive nonsyndromic hearing loss 3. Last evaluated: 2020-02-27. Review status: criteria provided, single submitter. Criteria: ClinGen HL ACMG Specifications v1. Collection method: case-control. Allele origin: maternal. Inheritance: Autosomal recessive inheritance. Affected: yes. Observed: 2 variant alleles.

Laboratory for Molecular Medicine, Mass General Brigham Personalized Medicine
Classification: Pathogenic for Rare genetic deafness. Last evaluated: 2014-10-17. Review status: criteria provided, single submitter. Criteria: LMM Criteria. Collection method: clinical testing. Allele origin: germline. Inheritance: Autosomal recessive inheritance. Observed: 1 variant allele.
Comment: The c.5531+1G>A variant in MYO15A has not been previously reported in individual s with hearing loss and was absent from large population studies. This variant o ccurs in the invariant region (+ 1/2) of the 5' splice site consensus sequence a nd is predicted to cause altered splicing leading to an abnormal or absent prote in. In summary, this variant meets our criteria to be classified as pathogenic f or sensorineural hearing loss in an autosomal recessive manner (/personalizedmedicine/LMM).

Literature cited by the submitters: PubMed 24206587 (cited by Molecular Diagnosis Center for Deafness).

NM_016239.4(MYO15A):c.5531+1G>A

Gene: MYO15A (myosin XVA; plus strand). Cytogenetic location: 17p11.2.
Variant type: single nucleotide variant.
Coding change: c.5531+1G>A on transcript NM_016239.4 (MANE Select); the canonical splice donor site of the intron after coding-DNA position 5531, G replaced by A.
Molecular consequence: splice donor variant.
Genome position (GRCh38, 1-based): chr17:18,141,144, G>A. VCF-style: chr17-18141144-G-A. GRCh37 (hg19) VCF-style: chr17-18044458-G-A.
Identifiers: ClinVar variation 164528 (VCV000164528.6), dbSNP rs727503309, ClinGen allele CA273203.
Genomic context (GRCh38, chr17:18,141,144, plus strand): 5'-CGTGAGGATCCGCAAGGAGGGATTTCCAGTGCGCCTGCCTTTCCAGGGGTTCATCGACAG[G>A]TATCTTGGTTACGGTAGTTCCTGAGCTCTACAAATCCCTGCCCAACTCCCCATGGCCCCA-3'